The following is an entry in ClinVar:

ClinVar aggregate classification (germline): Uncertain significance (1 of 4 stars; one submission).

Conditions:
Cardiovascular phenotype. Identifiers: MedGen CN230736.

Allele frequency attached by ClinVar (database versions not stated): gnomAD 0.00003; TOPMed 0.00003.
gnomAD v4.1: 7 of 1,550,260 alleles (0.00045%); highest among the groups gnomAD compares: African/African-American, 0.0096%; no homozygotes.

Submission:

Ambry Genetics
Classification: Uncertain significance for Cardiovascular phenotype. Last evaluated: 2023-10-10. Review status: criteria provided, single submitter. Criteria: Ambry Variant Classification Scheme 2023. Collection method: clinical testing. Allele origin: germline.
Comment: The p.P2440A variant (also known as c.7318C>G), located in coding exon 2 of the ZNF469 gene, results from a C to G substitution at nucleotide position 7318. The proline at codon 2440 is replaced by alanine, an amino acid with highly similar properties. This amino acid position is conserved. In addition, this alteration is predicted to be tolerated by in silico analysis. Since supporting evidence is limited at this time, the clinical significance of this alteration remains unclear.

NM_001367624.2(ZNF469):c.7402C>G (p.Pro2468Ala)

Gene: ZNF469 (zinc finger protein 469; plus strand). Cytogenetic location: 16q24.2.
Variant type: single nucleotide variant.
Coding change: c.7402C>G on transcript NM_001367624.2 (MANE Select); coding-DNA position 7402, C replaced by G.
Protein change: p.Pro2468Ala; replaces proline 2468 with alanine.
Molecular consequence: missense variant.
Genome position (GRCh38, 1-based): chr16:88,434,872, C>G. VCF-style: chr16-88434872-C-G. GRCh37 (hg19) VCF-style: chr16-88501280-C-G.
Other names: NM_001127464.1:c.7318C>G; short protein forms P2468A.
Identifiers: ClinVar variation 3232852 (VCV003232852.1), dbSNP rs980210517, ClinGen allele CA286382606.